The following is an entry in ClinVar:

ClinVar aggregate classification (germline): Uncertain significance (1 of 4 stars; one submission).

gnomAD v4.1: 2 of 1,612,908 alleles (0.00012%); highest among the groups gnomAD compares: Non-Finnish European, 0.00017%; no homozygotes.

Submission:

Labcorp Genetics (formerly Invitae), Labcorp
Classification: Uncertain significance. Last evaluated: 2021-11-22. Review status: criteria provided, single submitter. Criteria: Invitae Variant Classification Sherloc (09022015). Collection method: clinical testing. Allele origin: germline.
Comment: In summary, the available evidence is currently insufficient to determine the role of this variant in disease. Therefore, it has been classified as a Variant of Uncertain Significance. This sequence change replaces leucine, which is neutral and non-polar, with valine, which is neutral and non-polar, at codon 126 of the LMF1 protein (p.Leu126Val). This variant is not present in population databases (gnomAD no frequency). This variant has not been reported in the literature in individuals affected with LMF1-related conditions. Algorithms developed to predict the effect of missense changes on protein structure and function are either unavailable or do not agree on the potential impact of this missense change (SIFT: "Deleterious"; PolyPhen-2: "Probably Damaging"; Align-GVGD: "Class C0").

NM_022773.4(LMF1):c.376C>G (p.Leu126Val)

Gene: LMF1 (lipase maturation factor 1; minus strand). Cytogenetic location: 16p13.3.
Variant type: single nucleotide variant.
Coding change: c.376C>G on transcript NM_022773.4 (MANE Select); coding-DNA position 376, C replaced by G.
Protein change: p.Leu126Val; replaces leucine 126 with valine.
Molecular consequence: missense variant. On other transcripts: 5 prime UTR variant (3), non-coding transcript variant (1).
Genome position (GRCh38, 1-based): chr16:954,484, G>C on the plus strand (C>G on the coding strand, the complement: LMF1 is on the minus strand). VCF-style: chr16-954484-G-C. GRCh37 (hg19) VCF-style: chr16-1004484-G-C.
Other names: c.-428C>G (NM_001352017.2); c.-179C>G (NM_001352018.2); c.49C>G, p.Leu17Val (NM_001352019.2); c.376C>G, p.Leu126Val (NM_001352020.1); c.-330C>G (NM_001352021.2); short protein forms L126V, L17V.
Identifiers: ClinVar variation 1352688 (VCV001352688.6), dbSNP rs199877073, ClinGen allele CA394104589.